The following is an entry in ClinVar:

NM_001377.3(DYNC2H1):c.10589C>T (p.Ala3530Val)

Gene: DYNC2H1 (dynein cytoplasmic 2 heavy chain 1; plus strand). Cytogenetic location: 11q22.3.
Variant type: single nucleotide variant.
Coding change: c.10589C>T on transcript NM_001377.3 (MANE Select); coding-DNA position 10589, C replaced by T.
Protein change: p.Ala3530Val; replaces alanine 3530 with valine.
Molecular consequence: missense variant.
Genome position (GRCh38, 1-based): chr11:103,257,735, C>T. VCF-style: chr11-103257735-C-T. GRCh37 (hg19) VCF-style: chr11-103128464-C-T.
Other names: c.10610C>T, p.Ala3537Val (NM_001080463.2); short protein forms A3530V, A3537V.
Identifiers: ClinVar variation 3374952 (VCV003374952.1).

ClinVar aggregate classification (germline): Uncertain significance (1 of 4 stars; one submission).

gnomAD v4.1: 20 of 1,593,124 alleles (0.0013%); highest among the groups gnomAD compares: East Asian, 0.036%; no homozygotes.

Submission:

Women's Health and Genetics/Laboratory Corporation of America, LabCorp
Classification: Uncertain significance. Last evaluated: 2024-09-10. Review status: criteria provided, single submitter. Criteria: LabCorp Variant Classification Summary - May 2015. Collection method: clinical testing. Allele origin: germline.
Comment: Variant summary: DYNC2H1 c.10610C>T (p.Ala3537Val) results in a non-conservative amino acid change in the encoded protein sequence. Four of five in-silico tools predict a damaging effect of the variant on protein function. The variant allele was found at a frequency of 4.9e-05 in 223388 control chromosomes (gnomAD). This frequency is not significantly higher than estimated for a pathogenic variant in DYNC2H1 causing Short-rib thoracic dysplasia (4.9e-05 vs 0.0025), allowing no conclusion about variant significance. c.10610C>T has been reported in the literature in individuals affected with Short-rib thoracic dysplasia or rare immune dysregulated disease (Chen_2020, He_2021). These data indicate that the variant may be associated with disease. To our knowledge, no experimental evidence demonstrating an impact on protein function has been reported. The following publications have been ascertained in the context of this evaluation (PMID: 32502767, 37091781, 33482855). No submitters have cited clinical-significance assessments for this variant to ClinVar. Based on the evidence outlined above, the variant was classified as VUS-possibly pathogenic.

Literature cited by the submitters: PubMed 37091781; PubMed 32502767; PubMed 33482855.